The following is an entry in ClinVar:

NM_024642.5(GALNT12):c.657G>A (p.Ala219=)

Gene: GALNT12 (polypeptide N-acetylgalactosaminyltransferase 12; plus strand). Cytogenetic location: 9q22.33.
Variant type: single nucleotide variant.
Coding change: c.657G>A on transcript NM_024642.5 (MANE Select); coding-DNA position 657, G replaced by A.
Protein change: p.Ala219=; no amino-acid change (alanine 219 retained).
Molecular consequence: synonymous variant.
Genome position (GRCh38, 1-based): chr9:98,826,867, G>A. VCF-style: chr9-98826867-G-A. GRCh37 (hg19) VCF-style: chr9-101589149-G-A.
Identifiers: ClinVar variation 727977 (VCV000727977.12), dbSNP rs376494512, ClinGen allele CA196819552.

ClinVar aggregate classification (germline): Benign/Likely benign. Review status: criteria provided, multiple submitters, no conflicts (2 of 4 stars). 3 submissions from 3 submitters: Benign (1); Likely benign (2). Last evaluated 2026-04-24.

Conditions:
Colorectal cancer, susceptibility to, 1. Also called: COLORECTAL ADENOMA AND CANCER, SUSCEPTIBILITY TO; COLORECTAL CANCER, SUSCEPTIBILITY TO, ON CHROMOSOME 9. Identifiers: MedGen C1837315, MONDO:0012132, OMIM 608812.

Allele frequency attached by ClinVar (database versions not stated): ESP Exome Variant Server 0.00008; TOPMed 0.00001; gnomAD 0.00001.
gnomAD v4.1: 4 of 1,600,168 alleles (0.00025%); highest among the groups gnomAD compares: African/African-American, 0.0013%; no homozygotes.

Submissions (3):

Myriad Genetics, Inc.
Classification: Benign for Colorectal cancer, susceptibility to, 1. Last evaluated: 2026-04-24. Review status: criteria provided, single submitter. Criteria: Myriad Autosomal Dominant, Autosomal Recessive and X-Linked Classification Criteria (2023). Collection method: clinical testing. Allele origin: unknown.
Comment: This variant is considered benign. This variant is a silent/synonymous amino acid change and it is not expected to impact splicing.

Labcorp Genetics (formerly Invitae), Labcorp
Classification: Likely benign. Last evaluated: 2025-01-06. Review status: criteria provided, single submitter. Criteria: Invitae Variant Classification Sherloc (09022015). Collection method: clinical testing. Allele origin: germline.

Ambry Genetics
Classification: Likely benign. Last evaluated: 2022-05-14. Review status: criteria provided, single submitter. Criteria: Ambry Variant Classification Scheme 2023. Collection method: clinical testing. Allele origin: germline.